The following is an entry in ClinVar:

ClinVar aggregate classification (germline): Uncertain significance (1 of 4 stars; one submission).

Conditions:
Immunodeficiency 36 with lymphoproliferation. Also called: ACTIVATED PI3K-DELTA SYNDROME 2; Activated PI3K Delta Syndrome Type 2 (APDS2); Immunodeficiency 36. Identifiers: Orphanet 397596, Orphanet 693681, MedGen C4014934, MONDO:0014453, OMIM 616005.
Agammaglobulinemia 7, autosomal recessive (AGM7). Also called: AGAMMAGLOBULINEMIA, AUTOSOMAL RECESSIVE, DUE TO PIK3R1 DEFECT. Identifiers: MedGen C3554689, MONDO:0014083, OMIM 615214.
SHORT syndrome. Also called: SHORT STATURE, HYPEREXTENSIBILITY, HERNIA, OCULAR DEPRESSION, RIEGER ANOMALY, AND TEETHING DELAY; PIK3R1-Related SHORT Syndrome; LIPODYSTROPHY, PARTIAL, WITH RIEGER ANOMALY AND SHORT STATURE. Identifiers: Orphanet 3163, MedGen C0878684, MONDO:0010026, OMIM 269880.

Allele frequency attached by ClinVar (database versions not stated): TOPMed below 0.00001; gnomAD 0.00001.
gnomAD v4.1: 1 of 1,613,972 alleles (0.000062%); highest among the groups gnomAD compares: Non-Finnish European, 0.000085%; no homozygotes.

Submission:

Labcorp Genetics (formerly Invitae), Labcorp
Classification: Uncertain significance for SHORT syndrome; Immunodeficiency 36 with lymphoproliferation; Agammaglobulinemia 7, autosomal recessive. Last evaluated: 2026-01-17. Review status: criteria provided, single submitter. Criteria: Invitae Variant Classification Sherloc (09022015). Collection method: clinical testing. Allele origin: germline.
Comment: This sequence change replaces phenylalanine, which is neutral and non-polar, with leucine, which is neutral and non-polar, at codon 247 of the PIK3R1 protein (p.Phe247Leu). This variant is not present in population databases (gnomAD no frequency). This variant has not been reported in the literature in individuals affected with PIK3R1-related conditions. ClinVar contains an entry for this variant (Variation ID: 1051317). An algorithm developed to predict the effect of missense changes on protein structure and function (PolyPhen-2) suggests that this variant is likely to be tolerated. In summary, the available evidence is currently insufficient to determine the role of this variant in disease. Therefore, it has been classified as a Variant of Uncertain Significance.

NM_181523.3(PIK3R1):c.739T>C (p.Phe247Leu)

Gene: PIK3R1 (phosphoinositide-3-kinase regulatory subunit 1; plus strand). Cytogenetic location: 5q13.1.
Variant type: single nucleotide variant.
Coding change: c.739T>C on transcript NM_181523.3 (MANE Select); coding-DNA position 739, T replaced by C.
Protein change: p.Phe247Leu; replaces phenylalanine 247 with leucine.
Molecular consequence: missense variant.
Genome position (GRCh38, 1-based): chr5:68,280,632, T>C. VCF-style: chr5-68280632-T-C. GRCh37 (hg19) VCF-style: chr5-67576460-T-C.
Other names: short protein forms F247L.
Identifiers: ClinVar variation 1051317 (VCV001051317.13), dbSNP rs1486145236, ClinGen allele CA359875375.
Genomic context (GRCh38, chr5:68,280,632, plus strand): 5'-ATTAGGTCGCCTAGCATACCTCATCAGTATTGGCTTACGCTTCAGTATTTGTTAAAACAT[T>C]TCTTCAAGCTCTCTCAAACCTCCAGCAAAAATCTGTTGAATGCAAGAGTACTCTCTGAAA-3'
Protein context (NP_852664.1, residues 237-257): WLTLQYLLKH[Phe247Leu]FKLSQTSSKN